The following is an entry in ClinVar:

ClinVar aggregate classification (germline): Uncertain significance (1 of 4 stars; one submission).

gnomAD v4.1: 4 of 1,614,008 alleles (0.00025%); highest among the groups gnomAD compares: African/African-American, 0.004%; no homozygotes.

Submission:

Labcorp Genetics (formerly Invitae), Labcorp
Classification: Uncertain significance. Last evaluated: 2025-10-07. Review status: criteria provided, single submitter. Criteria: Invitae Variant Classification Sherloc (09022015). Collection method: clinical testing. Allele origin: germline.
Comment: This sequence change replaces alanine, which is neutral and non-polar, with threonine, which is neutral and polar, at codon 1084 of the ERBIN protein (p.Ala1084Thr). This variant is present in population databases (rs371953654, gnomAD 0.02%). This variant has not been reported in the literature in individuals affected with ERBIN-related conditions. An algorithm developed to predict the effect of missense changes on protein structure and function (PolyPhen-2) suggests that this variant is likely to be disruptive. In summary, the available evidence is currently insufficient to determine the role of this variant in disease. Therefore, it has been classified as a Variant of Uncertain Significance.

NM_001253697.2(ERBIN):c.3250G>A (p.Ala1084Thr)

Gene: ERBIN (erbb2 interacting protein; plus strand). Cytogenetic location: 5q12.3.
Variant type: single nucleotide variant.
Coding change: c.3250G>A on transcript NM_001253697.2 (MANE Select); coding-DNA position 3250, G replaced by A.
Protein change: p.Ala1084Thr; replaces alanine 1084 with threonine.
Molecular consequence: missense variant.
Genome position (GRCh38, 1-based): chr5:66,054,568, G>A. VCF-style: chr5-66054568-G-A. GRCh37 (hg19) VCF-style: chr5-65350396-G-A.
Other names: c.3250G>A, p.Ala1084Thr (NM_001006600.3, NM_001253698.2, NM_001253699.2 and 1 more transcripts); c.3238G>A, p.Ala1080Thr (NM_001253701.2); short protein forms A1080T, A1084T.
Identifiers: ClinVar variation 4698494 (VCV004698494.1).
Genomic context (GRCh38, chr5:66,054,568, plus strand): 5'-CGACTTATTCCTGCAGTAACTCGAAGTACAATCCAGCGACAAAGTAGTGTGTCCTCCACA[G>A]CCTCTGTAAATCTTGGTGATCCAGGCTCTACAAGGCGGGCTCAGATTCCTGAAGGAGATT-3'
Protein context (NP_001240626.1, residues 1074-1094): IQRQSSVSST[Ala1084Thr]SVNLGDPGST